The following is an entry in ClinVar:

ClinVar aggregate classification (germline): Likely benign. Review status: criteria provided, multiple submitters, no conflicts (2 of 4 stars). 2 submissions from 2 submitters: Likely benign (2). Last evaluated 2026-09-23.

Conditions:
Neurofibromatosis, type 1 (NF1). Also called: VON RECKLINGHAUSEN DISEASE; NEUROFIBROMATOSIS, TYPE I, SOMATIC; Neurofibromatosis, type I; Peripheral type neurofibromatosis. Identifiers: Orphanet 636, MedGen C0027831, MONDO:0018975, OMIM 162200. Disease mechanism: loss of function.

Allele frequency attached by ClinVar (database versions not stated): gnomAD exomes below 0.00001.

Submissions (2):

Myriad Genetics, Inc.
Classification: Likely benign for Neurofibromatosis, type 1. Last evaluated: 2026-09-23. Review status: criteria provided, single submitter. Criteria: Myriad Autosomal Dominant, Autosomal Recessive and X-Linked Classification Criteria (2023). Collection method: clinical testing. Allele origin: unknown.
Comment: This variant is considered likely benign. This variant is intronic and is not expected to impact mRNA splicing.

Labcorp Genetics (formerly Invitae), Labcorp
Classification: Likely benign for Neurofibromatosis, type 1. Last evaluated: 2025-05-13. Review status: criteria provided, single submitter. Criteria: Invitae Variant Classification Sherloc (09022015). Collection method: clinical testing. Allele origin: germline.

NM_001042492.3(NF1):c.3708+8A>G

Gene: NF1 (neurofibromin 1; plus strand). Cytogenetic location: 17q11.2.
Variant type: single nucleotide variant.
Coding change: c.3708+8A>G on transcript NM_001042492.3 (MANE Select); 8 bases into the intron after coding-DNA position 3708, A replaced by G.
Molecular consequence: intron variant.
Genome position (GRCh38, 1-based): chr17:31,233,221, A>G. VCF-style: chr17-31233221-A-G. GRCh37 (hg19) VCF-style: chr17-29560239-A-G.
Other names: c.3708+8A>G (NM_000267.4).
Identifiers: ClinVar variation 457661 (VCV000457661.6), dbSNP rs1173930586, ClinGen allele CA625780596.